The following is an entry in ClinVar:

ClinVar aggregate classification (germline): Uncertain significance (1 of 4 stars; one submission).

Conditions:
Familial cancer of breast. Also called: BREAST CANCER, FAMILIAL; hereditary breast carcinoma; Hereditary breast cancer. Identifiers: Orphanet 227535, MedGen C0346153, MONDO:0016419, OMIM 114480. Disease mechanism: loss of function.

Submission:

Labcorp Genetics (formerly Invitae), Labcorp
Classification: Uncertain significance for Familial cancer of breast. Last evaluated: 2022-10-12. Review status: criteria provided, single submitter. Criteria: Invitae Variant Classification Sherloc (09022015). Collection method: clinical testing. Allele origin: germline.
Comment: In summary, the available evidence is currently insufficient to determine the role of this variant in disease. Therefore, it has been classified as a Variant of Uncertain Significance. Algorithms developed to predict the effect of missense changes on protein structure and function are either unavailable or do not agree on the potential impact of this missense change (SIFT: "Tolerated"; PolyPhen-2: "Possibly Damaging"; Align-GVGD: "Class C0"). This variant has not been reported in the literature in individuals affected with BARD1-related conditions. This variant is not present in population databases (gnomAD no frequency). This sequence change replaces serine, which is neutral and polar, with proline, which is neutral and non-polar, at codon 443 of the BARD1 protein (p.Ser443Pro).

NM_000465.4(BARD1):c.1327T>C (p.Ser443Pro)

Gene: BARD1 (BRCA1 associated RING domain 1; minus strand). Cytogenetic location: 2q35.
Variant type: single nucleotide variant.
Coding change: c.1327T>C on transcript NM_000465.4 (MANE Select); coding-DNA position 1327, T replaced by C.
Protein change: p.Ser443Pro; replaces serine 443 with proline.
Molecular consequence: missense variant. On other transcripts: non-coding transcript variant (3), intron variant (3).
Genome position (GRCh38, 1-based): chr2:214,769,300, A>G on the plus strand (T>C on the coding strand, the complement: BARD1 is on the minus strand). VCF-style: chr2-214769300-A-G. GRCh37 (hg19) VCF-style: chr2-215634024-A-G.
Other names: c.1270T>C, p.Ser424Pro (NM_001282543.2); c.159-16745T>C (NM_001282548.2); c.216-16745T>C (NM_001282545.2); c.364+22997T>C (NM_001282549.2); short protein forms S424P, S443P.
Identifiers: ClinVar variation 1721473 (VCV001721473.5), dbSNP rs2469454704, ClinGen allele CA350450512.
Genomic context (GRCh38, chr2:214,769,300, plus strand): 5'-TCCATCCAGCATGGTCTTTAACATTTGGATCACTTCCATTTTGTAAAAGGTATTCAACAG[A>G]AGGTATGTCGCCCTAGAAAAATGAACAAAACGGAAATTAAAAAGCATTAAGGAAAGAAAG-3'
Protein context (NP_000456.2, residues 433-453): HIASIKGDIP[Ser443Pro]VEYLLQNGSD